The following is an entry in ClinVar:

NM_004320.6(ATP2A1):c.420C>G (p.Ile140Met)

Gene: ATP2A1 (ATPase sarcoplasmic/endoplasmic reticulum Ca2+ transporting 1; plus strand). Cytogenetic location: 16p11.2.
Variant type: single nucleotide variant.
Coding change: c.420C>G on transcript NM_004320.6 (MANE Select); coding-DNA position 420, C replaced by G.
Protein change: p.Ile140Met; replaces isoleucine 140 with methionine.
Molecular consequence: missense variant.
Genome position (GRCh38, 1-based): chr16:28,882,546, C>G. VCF-style: chr16-28882546-C-G. GRCh37 (hg19) VCF-style: chr16-28893867-C-G.
Other names: c.45C>G, p.Ile15Met (NM_001286075.2); c.420C>G, p.Ile140Met (NM_173201.5); short protein forms I140M, I15M.
Identifiers: ClinVar variation 2044627 (VCV002044627.4), dbSNP rs2506259365, ClinGen allele CA395401231.
Genomic context (GRCh38, chr16:28,882,546, plus strand): 5'-GGAGTATGAGCCAGAGATGGGGAAGGTCTACCGGGCTGACCGCAAGTCAGTGCAAAGGAT[C>G]AAGGCTCGGGACATCGTCCCTGGGGACATCGTGGAGGTGGCTGGTGAGTGACAGGGACGG-3'
Protein context (NP_004311.1, residues 130-150): YRADRKSVQR[Ile140Met]KARDIVPGDI

ClinVar aggregate classification (germline): Uncertain significance (1 of 4 stars; one submission).

Conditions:
Brody myopathy. Also called: BRODY DISEASE. Identifiers: Orphanet 53347, MedGen C1832918, MONDO:0010977, OMIM 601003.

Allele frequency attached by ClinVar (database versions not stated): gnomAD exomes below 0.00001.
gnomAD v4.1: 1 of 1,614,204 alleles (0.000062%); highest among the groups gnomAD compares: Non-Finnish European, 0.000085%; no homozygotes.

Submission:

Labcorp Genetics (formerly Invitae), Labcorp
Classification: Uncertain significance for Brody myopathy. Last evaluated: 2021-12-23. Review status: criteria provided, single submitter. Criteria: Invitae Variant Classification Sherloc (09022015). Collection method: clinical testing. Allele origin: germline.
Comment: This variant is not present in population databases (gnomAD no frequency). This variant has not been reported in the literature in individuals affected with ATP2A1-related conditions. Algorithms developed to predict the effect of missense changes on protein structure and function are either unavailable or do not agree on the potential impact of this missense change (SIFT: "Deleterious"; PolyPhen-2: "Possibly Damaging"; Align-GVGD: "Class C0"). In summary, the available evidence is currently insufficient to determine the role of this variant in disease. Therefore, it has been classified as a Variant of Uncertain Significance. This sequence change replaces isoleucine, which is neutral and non-polar, with methionine, which is neutral and non-polar, at codon 140 of the ATP2A1 protein (p.Ile140Met).